The following is an entry in ClinVar:

NM_001243177.4(ALDOA):c.922G>C (p.Val308Leu)

Genes: ALDOA (aldolase, fructose-bisphosphate A; plus strand), LOC112694756 (uncharaterized LOC112694756; plus strand). Cytogenetic location: 16p11.2.
Variant type: single nucleotide variant.
Coding change: c.922G>C on transcript NM_001243177.4 (MANE Select); coding-DNA position 922, G replaced by C.
Protein change: p.Val308Leu; replaces valine 308 with leucine.
Molecular consequence: missense variant. On other transcripts: 3 prime UTR variant (3).
Genome position (GRCh38, 1-based): chr16:30,069,634, G>C. VCF-style: chr16-30069634-G-C. GRCh37 (hg19) VCF-style: chr16-30080955-G-C.
Other names: c.*1269G>C (NM_001365304.2, NM_001365305.2, NM_001365307.2); c.760G>C, p.Val254Leu (NM_001127617.2, NM_184041.5, NM_184043.2); short protein forms V254L, V308L.
Identifiers: ClinVar variation 2794834 (VCV002794834.3), dbSNP rs142759891, ClinGen allele CA395492496.

ClinVar aggregate classification (germline): Uncertain significance (1 of 4 stars; one submission).

Conditions:
HNSHA due to aldolase A deficiency (GSD12). Also called: GLYCOGEN STORAGE DISEASE XII; GSD XII; RED CELL ALDOLASE DEFICIENCY; Glycogen storage disease due to aldolase A deficiency. Identifiers: Orphanet 57, MedGen C0272066, MONDO:0012747, OMIM 611881.

gnomAD v4.1: 1 of 1,613,804 alleles (0.000062%); highest among the groups gnomAD compares: Non-Finnish European, 0.000085%; no homozygotes.

Submission:

Labcorp Genetics (formerly Invitae), Labcorp
Classification: Uncertain significance for HNSHA due to aldolase A deficiency. Last evaluated: 2023-07-25. Review status: criteria provided, single submitter. Criteria: Invitae Variant Classification Sherloc (09022015). Collection method: clinical testing. Allele origin: germline.
Comment: In summary, the available evidence is currently insufficient to determine the role of this variant in disease. Therefore, it has been classified as a Variant of Uncertain Significance. An algorithm developed to predict the effect of missense changes on protein structure and function (PolyPhen-2) suggests that this variant is likely to be tolerated. This variant has not been reported in the literature in individuals affected with ALDOA-related conditions. This variant is not present in population databases (gnomAD no frequency). This sequence change replaces valine, which is neutral and non-polar, with leucine, which is neutral and non-polar, at codon 254 of the ALDOA protein (p.Val254Leu).